The following is an entry in ClinVar:

NM_032888.4(COL27A1):c.380G>T (p.Gly127Val)

Gene: COL27A1 (collagen type XXVII alpha 1 chain; plus strand). Cytogenetic location: 9q32.
Variant type: single nucleotide variant.
Coding change: c.380G>T on transcript NM_032888.4 (MANE Select); coding-DNA position 380, G replaced by T.
Protein change: p.Gly127Val; replaces glycine 127 with valine.
Molecular consequence: missense variant.
Genome position (GRCh38, 1-based): chr9:114,167,935, G>T. VCF-style: chr9-114167935-G-T. GRCh37 (hg19) VCF-style: chr9-116930215-G-T.
Other names: short protein forms G127V.
Identifiers: ClinVar variation 4752652 (VCV004752652.1).
Genomic context (GRCh38, chr9:114,167,935, plus strand): 5'-ACCGGGTGAACCATGCCTTCCTCTTCGCTGTCCGCAGCCAGAAACGCAAGCTGCAGCTGG[G>T]CCTGCAGTTCCTCCCCGGCAAGACGGTCGTCCACCTCGGGTCCCGGCGCTCAGTGGCCTT-3'
Protein context (NP_116277.2, residues 117-137): VRSQKRKLQL[Gly127Val]LQFLPGKTVV

ClinVar aggregate classification (germline): Uncertain significance (1 of 4 stars; one submission).

Submission:

Labcorp Genetics (formerly Invitae), Labcorp
Classification: Uncertain significance. Last evaluated: 2025-11-26. Review status: criteria provided, single submitter. Criteria: Invitae Variant Classification Sherloc (09022015). Collection method: clinical testing. Allele origin: germline.
Comment: This sequence change replaces glycine, which is neutral and non-polar, with valine, which is neutral and non-polar, at codon 127 of the COL27A1 protein (p.Gly127Val). The frequency data for this variant in the population databases is considered unreliable, as metrics indicate poor data quality at this position in the gnomAD database. This variant has not been reported in the literature in individuals affected with COL27A1-related conditions. Experimental studies and prediction algorithms are not available or were not evaluated, and the functional significance of this variant is currently unknown. In summary, the available evidence is currently insufficient to determine the role of this variant in disease. Therefore, it has been classified as a Variant of Uncertain Significance.